The following is an entry in ClinVar:

ClinVar aggregate classification (germline): Likely benign (0 of 4 stars; one submission).

Conditions:
TREH-related disorder. Also called: TREH-related condition.

Allele frequency attached by ClinVar (database versions not stated): gnomAD 0.00019; TOPMed 0.00021.
gnomAD v4.1: 405 of 1,613,740 alleles (0.025%); highest among the groups gnomAD compares: Admixed American, 0.032%; 3 homozygotes.

Submission:

PreventionGenetics, part of Exact Sciences
Classification: Likely benign for TREH-related condition. Last evaluated: 2019-08-28. Review status: no assertion criteria provided. Collection method: clinical testing. Allele origin: germline.
Comment: This variant is classified as likely benign based on ACMG/AMP sequence variant interpretation guidelines (Richards et al. 2015 PMID: 25741868, with internal and published modifications).

NM_007180.3(TREH):c.1535T>C (p.Met512Thr)

Genes: TREH (trehalase; minus strand), LOC112042778 (Sharpr-MPRA regulatory region 11464; plus strand). Cytogenetic location: 11q23.3.
Variant type: single nucleotide variant.
Coding change: c.1535T>C on transcript NM_007180.3 (MANE Select); coding-DNA position 1535, T replaced by C.
Protein change: p.Met512Thr; replaces methionine 512 with threonine.
Molecular consequence: missense variant.
Genome position (GRCh38, 1-based): chr11:118,658,915, A>G on the plus strand (T>C on the coding strand, the complement: TREH is on the minus strand). VCF-style: chr11-118658915-A-G. GRCh37 (hg19) VCF-style: chr11-118529624-A-G.
Other names: c.1442T>C, p.Met481Thr (NM_001301065.2); short protein forms M481T, M512T.
Identifiers: ClinVar variation 3052822 (VCV003052822.2), dbSNP rs556006762, ClinGen allele CA6307769.